The following is an entry in ClinVar:

ClinVar aggregate classification (germline): Uncertain significance. Review status: criteria provided, multiple submitters, no conflicts (2 of 4 stars). 5 submissions from 4 submitters: Uncertain significance (5). Last evaluated 2024-09-30.

Conditions:
Ectopia lentis 2, isolated, autosomal recessive (ECTOL2). Identifiers: Orphanet 1885, MedGen C3541474, MONDO:0009152, OMIM 225100.
Ectopia lentis et pupillae. Also called: ECTOPIA LENTIS WITH ECTOPIA OF PUPIL. Identifiers: Orphanet 1885, MedGen C1644196, MONDO:0009153, OMIM 225200.
Inborn genetic diseases. Identifiers: MedGen C0950123, MeSH D030342.

Allele frequency attached by ClinVar (database versions not stated): gnomAD 0.00003; gnomAD exomes 0.00003; ExAC 0.00006.
gnomAD v4.1: 47 of 1,612,768 alleles (0.0029%); highest among the groups gnomAD compares: South Asian, 0.031%; no homozygotes.

Submissions (5):

Blueprint Genetics
Classification: Uncertain significance. Last evaluated: 2024-09-30. Review status: criteria provided, single submitter. Criteria: ACMG Guidelines, 2015. Collection method: clinical testing. Allele origin: germline.

Genome-Nilou Lab
Classification: Uncertain significance for Ectopia lentis et pupillae. Last evaluated: 2023-04-11. Review status: criteria provided, single submitter. Criteria: ACMG Guidelines, 2015. Collection method: clinical testing. Allele origin: germline. Affected: no.

Genome-Nilou Lab
Classification: Uncertain significance for Ectopia lentis 2, isolated, autosomal recessive. Last evaluated: 2023-04-11. Review status: criteria provided, single submitter. Criteria: ACMG Guidelines, 2015. Collection method: clinical testing. Allele origin: germline. Affected: no.

Labcorp Genetics (formerly Invitae), Labcorp
Classification: Uncertain significance. Last evaluated: 2022-05-07. Review status: criteria provided, single submitter. Criteria: Invitae Variant Classification Sherloc (09022015). Collection method: clinical testing. Allele origin: germline.
Comment: This sequence change replaces serine, which is neutral and polar, with phenylalanine, which is neutral and non-polar, at codon 759 of the ADAMTSL4 protein (p.Ser759Phe). This variant is present in population databases (rs772998470, gnomAD 0.03%). This variant has not been reported in the literature in individuals affected with ADAMTSL4-related conditions. Algorithms developed to predict the effect of missense changes on protein structure and function (SIFT, PolyPhen-2, Align-GVGD) all suggest that this variant is likely to be disruptive. In summary, the available evidence is currently insufficient to determine the role of this variant in disease. Therefore, it has been classified as a Variant of Uncertain Significance.

Ambry Genetics
Classification: Uncertain significance for Inborn genetic diseases. Last evaluated: 2021-10-12. Review status: criteria provided, single submitter. Criteria: Ambry Variant Classification Scheme 2023. Collection method: clinical testing. Allele origin: germline.

NM_019032.6(ADAMTSL4):c.2276C>T (p.Ser759Phe)

Gene: ADAMTSL4 (ADAMTS like 4; plus strand). Cytogenetic location: 1q21.2.
Variant type: single nucleotide variant.
Coding change: c.2276C>T on transcript NM_019032.6 (MANE Select); coding-DNA position 2276, C replaced by T.
Protein change: p.Ser759Phe; replaces serine 759 with phenylalanine.
Molecular consequence: missense variant.
Genome position (GRCh38, 1-based): chr1:150,558,043, C>T. VCF-style: chr1-150558043-C-T. GRCh37 (hg19) VCF-style: chr1-150530519-C-T.
Other names: c.2159C>T, p.Ser720Phe (NM_001288607.2); c.2345C>T, p.Ser782Phe (NM_001288608.2); c.2276C>T, p.Ser759Phe (NM_001378596.1, NM_025008.5); c.2276C>T (NM_019032.4); short protein forms S720F, S782F, S759F.
Identifiers: ClinVar variation 2145608 (VCV002145608.4), dbSNP rs772998470, ClinGen allele CA1078607.